The following is an entry in ClinVar:

ClinVar aggregate classification (germline): Uncertain significance. Review status: criteria provided, multiple submitters, no conflicts (2 of 4 stars). 2 submissions from 2 submitters: Uncertain significance (2). Last evaluated 2025-08-04.

Allele frequency attached by ClinVar (database versions not stated): TOPMed 0.00002; gnomAD 0.00004; gnomAD exomes 0.00004 and 0.00005; ExAC 0.00006; 1000 Genomes Project 0.00020; 1000 Genomes Project 30x 0.00031.
gnomAD v4.1: 74 of 1,613,882 alleles (0.0046%); highest among the groups gnomAD compares: Non-Finnish European, 0.0054%; no homozygotes.

Submissions (2):

Labcorp Genetics (formerly Invitae), Labcorp
Classification: Uncertain significance. Last evaluated: 2025-08-04. Review status: criteria provided, single submitter. Criteria: Invitae Variant Classification Sherloc (09022015). Collection method: clinical testing. Allele origin: germline.
Comment: This sequence change replaces arginine, which is basic and polar, with histidine, which is basic and polar, at codon 741 of the RASGRP1 protein (p.Arg741His). This variant is present in population databases (rs201585269, gnomAD 0.02%). This variant has not been reported in the literature in individuals affected with RASGRP1-related conditions. ClinVar contains an entry for this variant (Variation ID: 1399853). An algorithm developed to predict the effect of missense changes on protein structure and function outputs the following: PolyPhen-2: "Benign". The histidine amino acid residue is found in multiple mammalian species, which suggests that this missense change does not adversely affect protein function. In summary, the available evidence is currently insufficient to determine the role of this variant in disease. Therefore, it has been classified as a Variant of Uncertain Significance.

Ambry Genetics
Classification: Uncertain significance. Last evaluated: 2024-04-06. Review status: criteria provided, single submitter. Criteria: Ambry Variant Classification Scheme 2023. Collection method: clinical testing. Allele origin: germline.

NM_005739.4(RASGRP1):c.2222G>A (p.Arg741His)

Gene: RASGRP1 (RAS guanyl releasing protein 1; minus strand). Cytogenetic location: 15q14.
Variant type: single nucleotide variant.
Coding change: c.2222G>A on transcript NM_005739.4 (MANE Select); coding-DNA position 2222, G replaced by A.
Protein change: p.Arg741His; replaces arginine 741 with histidine.
Molecular consequence: missense variant. On other transcripts: intron variant (1).
Genome position (GRCh38, 1-based): chr15:38,494,419, C>T on the plus strand (G>A on the coding strand, the complement: RASGRP1 is on the minus strand). VCF-style: chr15-38494419-C-T. GRCh37 (hg19) VCF-style: chr15-38786620-C-T.
Other names: c.2222G>A (NM_005739.3); c.2117G>A, p.Arg706His (NM_001128602.2); c.1769-3731G>A (NM_001306086.2); short protein forms R741H, R706H.
Identifiers: ClinVar variation 1399853 (VCV001399853.9), dbSNP rs201585269, ClinGen allele CA7470672.
Genomic context (GRCh38, chr15:38,494,419, plus strand): 5'-AAGGAAAATGAAAAGGAAGGTACCTGTTCCAGTTCTTGGTAGGTAGGCAGTCTGAGGTGA[C>T]GGAGCTCCTCCTTTGATTTTATGAGGGAGTCTTTATTCTCCCACTTGACAAAAGCCCGCT-3'
Protein context (NP_005730.2, residues 731-751): DSLIKSKEEL[Arg741His]HLRLPTYQEL